The following is an entry in ClinVar:

ClinVar aggregate classification (germline): Pathogenic (1 of 4 stars; one submission).

Conditions:
Tuberous sclerosis 1 (TSC1). Identifiers: Orphanet 805, MedGen C1854465, MONDO:0008612, OMIM 191100.

Submission:

Oasi Research Institute-IRCCS
Classification: Pathogenic for Tuberous sclerosis 1. Review status: criteria provided, single submitter. Criteria: ACMG Guidelines, 2015. Collection method: research. Allele origin: de novo. Affected: yes.
Comment: The genomic variant represents a large deletion within the coding sequence of the gene. This deletion may lead to a frameshift mutation. It is expected to result in protein truncation or nonsense mediated decay. ACMG criteria: PVS1 (LOF), PP4 (phenotype match), PM2 (absent from controls), PP3 (in silico evidence), PS2 (de novo) = Pathogenic. Based on the evidence outlined above, the variant was classified as Pathogenic.

NM_000368.5:c.2625_2975del

Gene: TSC1 (TSC complex subunit 1; minus strand).
Variant type: Deletion.
Other names: c.2625_2975del (NM_000368.5).
Identifiers: ClinVar variation 3777213 (VCV003777213.1).